The following is an entry in ClinVar:

NM_001042492.3(NF1):c.988_995del (p.Ala330fs)

Gene: NF1 (neurofibromin 1; plus strand). Cytogenetic location: 17q11.2.
Variant type: Deletion.
Coding change: c.988_995del on transcript NM_001042492.3 (MANE Select); coding-DNA positions 988 to 995, 8 bases deleted (GCAAGTAC; older notation c.988_995delGCAAGTAC).
Protein change: p.Ala330fs; shifts the reading frame from alanine 330.
Molecular consequence: frameshift variant.
Genome position (GRCh38, 1-based): chr17:31,200,521-31,200,528, GCAAGTAC deleted. VCF-style (leftmost placement, unchanged base first): chr17-31200520-AGCAAGTAC-A. GRCh37 (hg19) VCF-style: chr17-29527538-AGCAAGTAC-A.
Other names: c.988_995delGCAAGTAC, p.Ala330Leufs (NM_000267.4); c.988_995del, p.Ala330fs (NM_001128147.3); short protein forms A330fs.
Identifiers: ClinVar variation 571225 (VCV000571225.7), dbSNP rs1567835161, ClinGen allele CA891843782.

ClinVar aggregate classification (germline): Pathogenic (1 of 4 stars; one submission).

Conditions:
Neurofibromatosis, type 1 (NF1). Also called: Peripheral type neurofibromatosis; VON RECKLINGHAUSEN DISEASE; Neurofibromatosis, type I; NEUROFIBROMATOSIS, TYPE I, SOMATIC. Identifiers: Orphanet 636, MedGen C0027831, MONDO:0018975, OMIM 162200. Disease mechanism: loss of function.

Submission:

Labcorp Genetics (formerly Invitae), Labcorp
Classification: Pathogenic for Neurofibromatosis, type 1. Last evaluated: 2024-04-08. Review status: criteria provided, single submitter. Criteria: Invitae Variant Classification Sherloc (09022015). Collection method: clinical testing. Allele origin: germline.
Comment: This sequence change creates a premature translational stop signal (p.Ala330Leufs*7) in the NF1 gene. It is expected to result in an absent or disrupted protein product. Loss-of-function variants in NF1 are known to be pathogenic (PMID: 10712197, 23913538). This variant is not present in population databases (gnomAD no frequency). This variant has not been reported in the literature in individuals affected with NF1-related conditions. ClinVar contains an entry for this variant (Variation ID: 571225). Algorithms developed to predict the effect of sequence changes on RNA splicing suggest that this variant may disrupt the consensus splice site. For these reasons, this variant has been classified as Pathogenic.

Literature cited by the submitters: PubMed 10712197; PubMed 23913538.